The following is an entry in ClinVar:

ClinVar aggregate classification (germline): Uncertain significance (1 of 4 stars; one submission).

Conditions:
Inborn genetic diseases. Identifiers: MedGen C0950123, MeSH D030342.

Submission:

Ambry Genetics
Classification: Uncertain significance for Inborn genetic diseases. Last evaluated: 2025-10-28. Review status: criteria provided, single submitter. Criteria: Ambry Variant Classification Scheme 2023. Collection method: clinical testing. Allele origin: germline.
Comment: The p.G1483C variant (also known as c.4447G>T), located in coding exon 1 of the SAMD9L gene, results from a G to T substitution at nucleotide position 4447. The glycine at codon 1483 is replaced by cysteine, an amino acid with highly dissimilar properties. This amino acid position is conserved. In addition, this alteration is predicted to be tolerated by in silico analysis. Based on the available evidence, the clinical significance of this variant remains unclear.

NM_152703.5(SAMD9L):c.4447G>T (p.Gly1483Cys)

Gene: SAMD9L (sterile alpha motif domain containing 9 like; minus strand). Cytogenetic location: 7q21.2.
Variant type: single nucleotide variant.
Coding change: c.4447G>T on transcript NM_152703.5 (MANE Select); coding-DNA position 4447, G replaced by T.
Protein change: p.Gly1483Cys; replaces glycine 1483 with cysteine.
Molecular consequence: missense variant.
Genome position (GRCh38, 1-based): chr7:93,131,525, C>A on the plus strand (G>T on the coding strand, the complement: SAMD9L is on the minus strand). VCF-style: chr7-93131525-C-A. GRCh37 (hg19) VCF-style: chr7-92760838-C-A.
Other names: c.4447G>T, p.Gly1483Cys (NM_001303496.3, NM_001303497.3, NM_001303498.3 and 5 more transcripts); short protein forms G1483C.
Identifiers: ClinVar variation 4630085 (VCV004630085.1).